The following is an entry in ClinVar:

NM_001792.5(CDH2):c.690A>C (p.Ile230=)

Gene: CDH2 (cadherin 2; minus strand). Cytogenetic location: 18q12.1.
Variant type: single nucleotide variant.
Coding change: c.690A>C on transcript NM_001792.5 (MANE Select); coding-DNA position 690, A replaced by C.
Protein change: p.Ile230=; no amino-acid change (isoleucine 230 retained).
Molecular consequence: synonymous variant.
Genome position (GRCh38, 1-based): chr18:28,009,729, T>G on the plus strand (A>C on the coding strand, the complement: CDH2 is on the minus strand). VCF-style: chr18-28009729-T-G. GRCh37 (hg19) VCF-style: chr18-25589693-T-G.
Other names: c.597A>C, p.Ile199= (NM_001308176.2); c.690A>C (NM_001792.4, NM_001792.3).
Identifiers: ClinVar variation 1536300 (VCV001536300.11), dbSNP rs771009222, ClinGen allele CA8923632.

ClinVar aggregate classification (germline): Likely benign. Review status: criteria provided, multiple submitters, no conflicts (2 of 4 stars). 3 submissions from 3 submitters: Likely benign (2). 1 of the submissions does not count toward it. Last evaluated 2026-01-12.

Conditions:
Inborn genetic diseases. Identifiers: MedGen C0950123, MeSH D030342.
CDH2-related disorder. Also called: CDH2-related condition.

Allele frequency attached by ClinVar (database versions not stated): gnomAD exomes below 0.00001; ExAC 0.00001; TOPMed 0.00002.
gnomAD v4.1: 1 of 1,613,858 alleles (0.000062%); highest among the groups gnomAD compares: African/African-American, 0.0013%; no homozygotes.

Submissions (3):

Labcorp Genetics (formerly Invitae), Labcorp
Classification: Likely benign. Last evaluated: 2026-01-12. Review status: criteria provided, single submitter. Criteria: Invitae Variant Classification Sherloc (09022015). Collection method: clinical testing. Allele origin: germline.

Ambry Genetics
Classification: Likely benign for Inborn genetic diseases. Last evaluated: 2024-05-21. Review status: criteria provided, single submitter. Criteria: Ambry Variant Classification Scheme 2023. Collection method: clinical testing. Allele origin: germline.

PreventionGenetics, part of Exact Sciences
Classification: Likely benign for CDH2-related condition. Last evaluated: 2019-08-09. Review status: no assertion criteria provided. Collection method: clinical testing. Allele origin: germline. Not counted in ClinVar's aggregate classification.
Comment: This variant is classified as likely benign based on ACMG/AMP sequence variant interpretation guidelines (Richards et al. 2015 PMID: 25741868, with internal and published modifications).